The following is an entry in ClinVar:

NM_004006.3(DMD):c.72G>T (p.Trp24Cys)

Gene: DMD (dystrophin; minus strand). Cytogenetic location: Xp21.1.
Variant type: single nucleotide variant.
Coding change: c.72G>T on transcript NM_004006.3 (MANE Select); coding-DNA position 72, G replaced by T.
Protein change: p.Trp24Cys; replaces tryptophan 24 with cysteine.
Molecular consequence: missense variant. On other transcripts: 5 prime UTR variant (1).
Genome position (GRCh38, 1-based): chrX:33,020,160, C>A on the plus strand (G>T on the coding strand, the complement: DMD is on the minus strand). VCF-style: chrX-33020160-C-A. GRCh37 (hg19) VCF-style: chrX-33038277-C-A.
Other names: c.48G>T, p.Trp16Cys (NM_000109.4); c.60G>T, p.Trp20Cys (NM_004009.3); c.-298G>T (NM_004010.3); short protein forms W20C, W24C, W16C.
Identifiers: ClinVar variation 3634874 (VCV003634874.2).

ClinVar aggregate classification (germline): Uncertain significance (1 of 4 stars; one submission).

Conditions:
Duchenne muscular dystrophy (DMD). Also called: MUSCULAR DYSTROPHY, PSEUDOHYPERTROPHIC PROGRESSIVE, DUCHENNE TYPE; Duchenne Muscular Dystrophy (DMD). Identifiers: Orphanet 98896, MedGen C0013264, MONDO:0010679, OMIM 310200.

Submission:

Labcorp Genetics (formerly Invitae), Labcorp
Classification: Uncertain significance for Duchenne muscular dystrophy. Last evaluated: 2024-10-08. Review status: criteria provided, single submitter. Criteria: Invitae Variant Classification Sherloc (09022015). Collection method: clinical testing. Allele origin: germline.
Comment: This sequence change replaces tryptophan, which is neutral and slightly polar, with cysteine, which is neutral and slightly polar, at codon 24 of the DMD protein (p.Trp24Cys). This variant is not present in population databases (gnomAD no frequency). This variant has not been reported in the literature in individuals affected with DMD-related conditions. Invitae Evidence Modeling of protein sequence and biophysical properties (such as structural, functional, and spatial information, amino acid conservation, physicochemical variation, residue mobility, and thermodynamic stability) has been performed for this missense variant. However, the output from this modeling did not meet the statistical confidence thresholds required to predict the impact of this variant on DMD protein function. In summary, the available evidence is currently insufficient to determine the role of this variant in disease. Therefore, it has been classified as a Variant of Uncertain Significance.